The following is an entry in ClinVar:

NM_170707.4(LMNA):c.857_859del (p.Gly286del)

Gene: LMNA (lamin A/C; plus strand). Cytogenetic location: 1q22.
Variant type: Deletion.
Coding change: c.857_859del on transcript NM_170707.4 (MANE Select); coding-DNA positions 857 to 859, 3 bases deleted (GGG; older notation c.857_859delGGG).
Protein change: p.Gly286del; deletes glycine 286.
Molecular consequence: inframe deletion.
Genome position (GRCh38, 1-based): chr1:156,135,233-156,135,235, GGG deleted; deleting any 3 consecutive bases within chr1:156,135,231-156,135,235 gives the same sequence; the c. name uses the placement nearest the transcript's 3' end. VCF-style (leftmost placement, unchanged base first): chr1-156135230-TGGG-T. GRCh37 (hg19) VCF-style: chr1-156105021-TGGG-T.
Other names: c.521_523del, p.Gly174del (NM_001257374.3); c.614_616del, p.Gly205del (NM_001282624.2); c.857_859del, p.Gly286del (NM_001282625.2, NM_001282626.2, NM_005572.4 and 1 more transcripts); short protein forms G205del, G286del, G174del.
Identifiers: ClinVar variation 648794 (VCV000648794.8), dbSNP rs59564495, ClinGen allele CA915941459.

ClinVar aggregate classification (germline): Likely pathogenic (1 of 4 stars; one submission).

Conditions:
Charcot-Marie-Tooth disease type 2. Also called: Charcot-Marie-Tooth type 2. Identifiers: Orphanet 64746, MedGen C0270914, MONDO:0018993.

Submission:

Labcorp Genetics (formerly Invitae), Labcorp
Classification: Likely pathogenic for Charcot-Marie-Tooth disease type 2. Last evaluated: 2018-09-04. Review status: criteria provided, single submitter. Criteria: Invitae Variant Classification Sherloc (09022015). Collection method: clinical testing. Allele origin: germline.
Comment: This variant, c.857_859delGGG, results in the deletion of 1 amino acid(s) of the LMNA protein (p.Gly286del), but otherwise preserves the integrity of the reading frame. This variant is not present in population databases (ExAC no frequency). Experimental studies and prediction algorithms are not available for this variant, and the functional significance of the affected amino acid(s) is currently unknown. In summary, the currently available evidence indicates that the variant is pathogenic, but additional data are needed to prove that conclusively. Therefore, this variant has been classified as Likely Pathogenic.